The following is an entry in ClinVar:

NM_032638.5(GATA2):c.456C>G (p.Ser152Arg)

Gene: GATA2 (GATA binding protein 2; minus strand). Cytogenetic location: 3q21.3.
Variant type: single nucleotide variant.
Coding change: c.456C>G on transcript NM_032638.5 (MANE Select); coding-DNA position 456, C replaced by G.
Protein change: p.Ser152Arg; replaces serine 152 with arginine.
Molecular consequence: missense variant.
Genome position (GRCh38, 1-based): chr3:128,486,142, G>C on the plus strand (C>G on the coding strand, the complement: GATA2 is on the minus strand). VCF-style: chr3-128486142-G-C. GRCh37 (hg19) VCF-style: chr3-128204985-G-C.
Other names: c.456C>G, p.Ser152Arg (NM_001145661.2, NM_001145662.1); short protein forms S152R.
Identifiers: ClinVar variation 1006707 (VCV001006707.8), dbSNP rs750384699, ClinGen allele CA354406717.

ClinVar aggregate classification (germline): Uncertain significance (1 of 4 stars; one submission).

Conditions:
Deafness-lymphedema-leukemia syndrome. Also called: Lymphedema, primary, with myelodysplasia; Emberger syndrome. Identifiers: Orphanet 3226, MedGen C3279664, MONDO:0013540, OMIM 614038.
Monocytopenia with susceptibility to infections. Also called: MONOCYTOPENIA AND MYCOBACTERIAL INFECTION SYNDROME; MONOCYTOPENIA WITH SUSCEPTIBILITY TO MYCOBACTERIAL, FUNGAL, AND PAPILLOMAVIRUS INFECTIONS AND MYELODYSPLASIA; COMBINED IMMUNODEFICIENCY WITH SUSCEPTIBILITY TO MYCOBACTERIAL, VIRAL, AND FUNGAL INFECTIONS; IMMUNODEFICIENCY 21; GATA2 DEFICIENCY; Dendritic cell, monocyte, B lymphocyte, and natural killer lymphocyte deficiency. Identifiers: Orphanet 228423, MedGen C3280030, MONDO:0013607, OMIM 614172.

Submission:

Labcorp Genetics (formerly Invitae), Labcorp
Classification: Uncertain significance for Monocytopenia with susceptibility to infections; Deafness-lymphedema-leukemia syndrome. Last evaluated: 2024-11-11. Review status: criteria provided, single submitter. Criteria: Invitae Variant Classification Sherloc (09022015). Collection method: clinical testing. Allele origin: germline.
Comment: This sequence change replaces serine, which is neutral and polar, with arginine, which is basic and polar, at codon 152 of the GATA2 protein (p.Ser152Arg). This variant is not present in population databases (gnomAD no frequency). This variant has not been reported in the literature in individuals affected with GATA2-related conditions. ClinVar contains an entry for this variant (Variation ID: 1006707). Invitae Evidence Modeling of protein sequence and biophysical properties (such as structural, functional, and spatial information, amino acid conservation, physicochemical variation, residue mobility, and thermodynamic stability) indicates that this missense variant is not expected to disrupt GATA2 protein function with a negative predictive value of 95%. In summary, the available evidence is currently insufficient to determine the role of this variant in disease. Therefore, it has been classified as a Variant of Uncertain Significance.